The following is an entry in ClinVar:

ClinVar aggregate classification (germline): Uncertain significance (1 of 4 stars; one submission).

gnomAD v4.1: 4 of 1,613,994 alleles (0.00025%); highest among the groups gnomAD compares: Admixed American, 0.005%; no homozygotes.

Submission:

Labcorp Genetics (formerly Invitae), Labcorp
Classification: Uncertain significance. Last evaluated: 2024-07-15. Review status: criteria provided, single submitter. Criteria: Invitae Variant Classification Sherloc (09022015). Collection method: clinical testing. Allele origin: germline.
Comment: This sequence change replaces valine, which is neutral and non-polar, with leucine, which is neutral and non-polar, at codon 2353 of the ITPR1 protein (p.Val2353Leu). This variant is present in population databases (rs762651616, gnomAD 0.009%). This variant has not been reported in the literature in individuals affected with ITPR1-related conditions. Advanced modeling of protein sequence and biophysical properties (such as structural, functional, and spatial information, amino acid conservation, physicochemical variation, residue mobility, and thermodynamic stability) performed at Invitae indicates that this missense variant is not expected to disrupt ITPR1 protein function with a negative predictive value of 95%. In summary, the available evidence is currently insufficient to determine the role of this variant in disease. Therefore, it has been classified as a Variant of Uncertain Significance.

NM_001378452.1(ITPR1):c.7246G>C (p.Val2416Leu)

Gene: ITPR1 (inositol 1,4,5-trisphosphate receptor type 1; plus strand). Cytogenetic location: 3p26.1.
Variant type: single nucleotide variant.
Coding change: c.7246G>C on transcript NM_001378452.1 (MANE Select); coding-DNA position 7246, G replaced by C.
Protein change: p.Val2416Leu; replaces valine 2416 with leucine.
Molecular consequence: missense variant.
Genome position (GRCh38, 1-based): chr3:4,806,241, G>C. VCF-style: chr3-4806241-G-C. GRCh37 (hg19) VCF-style: chr3-4847925-G-C.
Other names: c.7102G>C, p.Val2368Leu (NM_001099952.4); c.7201G>C, p.Val2401Leu (NM_001168272.2); c.7057G>C, p.Val2353Leu (NM_002222.7); short protein forms V2368L, V2401L, V2416L, V2353L.
Identifiers: ClinVar variation 3689852 (VCV003689852.2).
Genomic context (GRCh38, chr3:4,806,241, plus strand): 5'-CTGGATGTTGAGTTCCTCTATCATTTGTTGTATCTGGTGATCTGTGCCATGGGGCTCTTT[G>C]TCCATGAATTCTTCTACAGTCTGCTGGTGAGTACCTGGTGTGGAAATATTTTATGTGTGG-3'
Protein context (NP_001365381.1, residues 2406-2426): YLVICAMGLF[Val2416Leu]HEFFYSLLLF